The following is an entry in ClinVar:

NM_004415.4(DSP):c.5439G>C (p.Glu1813Asp)

Gene: DSP (desmoplakin; plus strand). Cytogenetic location: 6p24.3.
Variant type: single nucleotide variant.
Coding change: c.5439G>C on transcript NM_004415.4 (MANE Select); coding-DNA position 5439, G replaced by C.
Protein change: p.Glu1813Asp; replaces glutamic acid 1813 with aspartic acid.
Molecular consequence: missense variant.
Genome position (GRCh38, 1-based): chr6:7,582,701, G>C. VCF-style: chr6-7582701-G-C. GRCh37 (hg19) VCF-style: chr6-7582934-G-C.
Other names: c.5439G>C (NM_004415.2); c.3642G>C, p.Glu1214Asp (NM_001008844.3); c.4110G>C, p.Glu1370Asp (NM_001319034.2); short protein forms E1214D, E1370D, E1813D.
Identifiers: ClinVar variation 1064231 (VCV001064231.10), dbSNP rs1759477469, ClinGen allele CA362688625.

ClinVar aggregate classification (germline): Uncertain significance. Review status: criteria provided, multiple submitters, no conflicts (2 of 4 stars). 2 submissions from 2 submitters: Uncertain significance (2). Last evaluated 2024-08-11.

Conditions:
Cardiovascular phenotype. Identifiers: MedGen CN230736.
Arrhythmogenic right ventricular dysplasia 8 (ARVD8). Also called: Arrhythmogenic Right Ventricular Dysplasia/Cardiomyopathy 8; ARRHYTHMOGENIC RIGHT VENTRICULAR CARDIOMYOPATHY 8; ARRHYTHMOGENIC RIGHT VENTRICULAR DYSPLASIA, FAMILIAL, 8. Identifiers: MedGen C1843896, MONDO:0011831, OMIM 607450.
Arrhythmogenic cardiomyopathy with wooly hair and keratoderma. Also called: Arrhythmogenic cardiomyopathy with woolly hair and keratoderma; Carvajal syndrome; PALMOPLANTAR KERATODERMA WITH LEFT VENTRICULAR CARDIOMYOPATHY AND WOOLLY HAIR; Dilated cardiomyopathy with woolly hair and keratoderma. Identifiers: Orphanet 65282, MedGen C1854063, MONDO:0011581, OMIM 605676.

Allele frequency attached by ClinVar (database versions not stated): TOPMed below 0.00001.

Submissions (2):

Labcorp Genetics (formerly Invitae), Labcorp
Classification: Uncertain significance for Arrhythmogenic cardiomyopathy with wooly hair and keratoderma; Arrhythmogenic right ventricular dysplasia 8. Last evaluated: 2024-08-11. Review status: criteria provided, single submitter. Criteria: Invitae Variant Classification Sherloc (09022015). Collection method: clinical testing. Allele origin: germline.
Comment: This sequence change replaces glutamic acid, which is acidic and polar, with aspartic acid, which is acidic and polar, at codon 1813 of the DSP protein (p.Glu1813Asp). This variant is not present in population databases (gnomAD no frequency). This variant has not been reported in the literature in individuals affected with DSP-related conditions. ClinVar contains an entry for this variant (Variation ID: 1064231). An algorithm developed to predict the effect of missense changes on protein structure and function (PolyPhen-2) suggests that this variant is likely to be disruptive. In summary, the available evidence is currently insufficient to determine the role of this variant in disease. Therefore, it has been classified as a Variant of Uncertain Significance.

Ambry Genetics
Classification: Uncertain significance for Cardiovascular phenotype. Last evaluated: 2022-05-18. Review status: criteria provided, single submitter. Criteria: Ambry Variant Classification Scheme 2023. Collection method: clinical testing. Allele origin: germline.